The following is an entry in ClinVar:

ClinVar aggregate classification (germline): Uncertain significance (1 of 4 stars; one submission).

Conditions:
Sulfite oxidase deficiency due to molybdenum cofactor deficiency type C. Also called: Molybdenum cofactor deficiency C; Molybdenum cofactor deficiency, complementation group C. Identifiers: Orphanet 308400, Orphanet 833, MedGen C1854990, MONDO:0014212, OMIM 615501.

gnomAD v4.1: 22 of 1,612,388 alleles (0.0014%); highest among the groups gnomAD compares: Non-Finnish European, 0.0019%; no homozygotes.

Submission:

Labcorp Genetics (formerly Invitae), Labcorp
Classification: Uncertain significance for Sulfite oxidase deficiency due to molybdenum cofactor deficiency type C. Last evaluated: 2024-02-16. Review status: criteria provided, single submitter. Criteria: Invitae Variant Classification Sherloc (09022015). Collection method: clinical testing. Allele origin: germline.
Comment: This sequence change replaces glycine, which is neutral and non-polar, with cysteine, which is neutral and slightly polar, at codon 447 of the GPHN protein (p.Gly447Cys). This variant is present in population databases (rs762303081, gnomAD 0.0009%). This variant has not been reported in the literature in individuals affected with GPHN-related conditions. Advanced modeling of protein sequence and biophysical properties (such as structural, functional, and spatial information, amino acid conservation, physicochemical variation, residue mobility, and thermodynamic stability) performed at Invitae indicates that this missense variant is expected to disrupt GPHN protein function with a positive predictive value of 80%. In summary, the available evidence is currently insufficient to determine the role of this variant in disease. Therefore, it has been classified as a Variant of Uncertain Significance.

NM_020806.5(GPHN):c.1339G>T (p.Gly447Cys)

Gene: GPHN (gephyrin; plus strand). Cytogenetic location: 14q23.3.
Variant type: single nucleotide variant.
Coding change: c.1339G>T on transcript NM_020806.5 (MANE Select); coding-DNA position 1339, G replaced by T.
Protein change: p.Gly447Cys; replaces glycine 447 with cysteine.
Molecular consequence: missense variant.
Genome position (GRCh38, 1-based): chr14:67,110,185, G>T. VCF-style: chr14-67110185-G-T. GRCh37 (hg19) VCF-style: chr14-67576902-G-T.
Other names: c.1240G>T, p.Gly414Cys (NM_001024218.2); c.1399G>T, p.Gly467Cys (NM_001377514.1); c.1369G>T, p.Gly457Cys (NM_001377515.1); c.1360G>T, p.Gly454Cys (NM_001377516.1); c.1312G>T, p.Gly438Cys (NM_001377517.1); c.1297G>T, p.Gly433Cys (NM_001377518.1); c.1279G>T, p.Gly427Cys (NM_001377519.1); short protein forms G433C, G454C, G414C, G427C, G438C, G447C, G457C, G467C.
Identifiers: ClinVar variation 3704466 (VCV003704466.1).